The following is an entry in ClinVar:

ClinVar aggregate classification (germline): Uncertain significance (1 of 4 stars; one submission).

Conditions:
Cardiovascular phenotype. Identifiers: MedGen CN230736.

Submission:

Ambry Genetics
Classification: Uncertain significance for Cardiovascular phenotype. Last evaluated: 2025-05-08. Review status: criteria provided, single submitter. Criteria: Ambry Variant Classification Scheme 2023. Collection method: clinical testing. Allele origin: germline.
Comment: The p.R70S variant (also known as c.208C>A), located in coding exon 1 of the NKX2-5 gene, results from a C to A substitution at nucleotide position 208. The arginine at codon 70 is replaced by serine, an amino acid with dissimilar properties. This amino acid position is conserved. In addition, this alteration is predicted to be tolerated by in silico analysis. Based on the available evidence, the clinical significance of this variant remains unclear.

NM_004387.4(NKX2-5):c.208C>A (p.Arg70Ser)

Gene: NKX2-5 (NK2 homeobox 5; minus strand). Cytogenetic location: 5q35.1.
Variant type: single nucleotide variant.
Coding change: c.208C>A on transcript NM_004387.4 (MANE Select); coding-DNA position 208, C replaced by A.
Protein change: p.Arg70Ser; replaces arginine 70 with serine.
Molecular consequence: missense variant.
Genome position (GRCh38, 1-based): chr5:173,234,876, G>T on the plus strand (C>A on the coding strand, the complement: NKX2-5 is on the minus strand). VCF-style: chr5-173234876-G-T. GRCh37 (hg19) VCF-style: chr5-172661879-G-T.
Other names: c.208C>A, p.Arg70Ser (NM_001166175.2, NM_001166176.2); short protein forms R70S.
Identifiers: ClinVar variation 3920038 (VCV003920038.1).